The following is an entry in ClinVar:

NM_006005.3(WFS1):c.1251_1252delinsG (p.Phe417fs)

Gene: WFS1 (wolframin ER transmembrane glycoprotein; plus strand). Cytogenetic location: 4p16.1.
Variant type: Indel.
Coding change: c.1251_1252delinsG on transcript NM_006005.3 (MANE Select); coding-DNA positions 1251 to 1252, CT replaced by G.
Protein change: p.Phe417fs; shifts the reading frame from phenylalanine 417.
Molecular consequence: frameshift variant.
Genome position (GRCh38, 1-based): chr4:6,301,046-6,301,047, CT replaced by G. VCF-style: chr4-6301046-CT-G. GRCh37 (hg19) VCF-style: chr4-6302773-CT-G.
Other names: c.1251_1252delinsG, p.Phe417fs (NM_001145853.1); short protein forms F417fs.
Identifiers: ClinVar variation 4847306 (VCV004847306.1).
Genomic context (GRCh38, chr4:6,301,046, plus strand): 5'-CGGCTGGAACCACCTGGAGCCCTATGCCCATTTCCTGCTCTCTGTCTTCTTCGTCATCTT[CT>G]CCTTCCCCATCGCCAGCAAGGACTGCATCCCCTGCTCGGAGCTGGCTGTCATCACCGGCT-3'

ClinVar aggregate classification (germline): Pathogenic (1 of 4 stars; one submission).

Conditions:
Wolfram syndrome 1 (WFS1). Identifiers: Orphanet 3463, MedGen C4551693, MONDO:0009101, OMIM 222300.

Submission:

Women's Health and Genetics/Laboratory Corporation of America, LabCorp
Classification: Pathogenic for Wolfram syndrome 1. Last evaluated: 2026-03-12. Review status: criteria provided, single submitter. Criteria: LabCorp Variant Classification Summary - May 2015. Collection method: clinical testing. Allele origin: germline.
Comment: Variant summary: WFS1 c.1251_1252delinsG (p.Phe417LeufsX25) results in a premature termination codon in the last exon, predicted to cause a truncation of the encoded protein, however, nonsense mediated decay is not expected to occur. The variant was absent in 251474 control chromosomes. c.1251_1252delinsG has been observed in at-least two individuals affected with Wolfram Syndrome (examples, Astuti_2017, Marshall_2013, Rohayem_2011) . These data indicate that the variant may be associated with disease. To our knowledge, no experimental evidence demonstrating an impact on protein function has been reported. At least one downstream variant has been classified as Pathogenic (c.1433G>A p.Trp478X) by our lab, providing evidence that the region altered by the variant is critical to protein function. The following publications have been ascertained in the context of this evaluation (PMID: 28432734, 23981289, 21602428). No submitters have cited clinical-significance assessments for this variant to ClinVar. Based on the evidence outlined above, the variant was classified as pathogenic.

Literature cited by the submitters: PubMed 28432734; PubMed 23981289; PubMed 21602428.